The following is an entry in ClinVar:

NM_152468.5(TMC8):c.2066C>T (p.Pro689Leu)

Gene: TMC8 (transmembrane channel like 8; plus strand). Cytogenetic location: 17q25.3.
Variant type: single nucleotide variant.
Coding change: c.2066C>T on transcript NM_152468.5 (MANE Select); coding-DNA position 2066, C replaced by T.
Protein change: p.Pro689Leu; replaces proline 689 with leucine.
Molecular consequence: missense variant.
Genome position (GRCh38, 1-based): chr17:78,140,997, C>T. VCF-style: chr17-78140997-C-T. GRCh37 (hg19) VCF-style: chr17-76137078-C-T.
Other names: short protein forms P689L.
Identifiers: ClinVar variation 3729689 (VCV003729689.2).

ClinVar aggregate classification (germline): Uncertain significance (1 of 4 stars; one submission).

Conditions:
Epidermodysplasia verruciformis. Identifiers: Orphanet 302, MedGen C0014522, MONDO:0009176.

Submission:

Labcorp Genetics (formerly Invitae), Labcorp
Classification: Uncertain significance for Epidermodysplasia verruciformis. Last evaluated: 2025-01-27. Review status: criteria provided, single submitter. Criteria: Invitae Variant Classification Sherloc (09022015). Collection method: clinical testing. Allele origin: germline.
Comment: This sequence change replaces proline, which is neutral and non-polar, with leucine, which is neutral and non-polar, at codon 689 of the TMC8 protein (p.Pro689Leu). This variant is not present in population databases (gnomAD no frequency). This variant has not been reported in the literature in individuals affected with TMC8-related conditions. An algorithm developed to predict the effect of missense changes on protein structure and function (PolyPhen-2) suggests that this variant is likely to be tolerated. In summary, the available evidence is currently insufficient to determine the role of this variant in disease. Therefore, it has been classified as a Variant of Uncertain Significance.